The following is an entry in ClinVar:

ClinVar aggregate classification (germline): Likely benign (1 of 4 stars; one submission).

gnomAD v4.1: 6 of 111,578 alleles (0.0054%); highest among the groups gnomAD compares: Non-Finnish European, 0.0075%; no homozygotes.

Submission:

CeGaT Center for Human Genetics Tuebingen
Classification: Likely benign. Last evaluated: 2025-05-01. Review status: criteria provided, single submitter. Criteria: CeGaT Center For Human Genetics Tuebingen Variant Classification Criteria Version 2. Collection method: clinical testing. Allele origin: germline. Affected: yes. Observed: 1 variant allele.
Comment: FANCB: BP4, BP7

NM_001410764.1(FANCB):c.2604+30A>G

Gene: FANCB (FA complementation group B; minus strand). Cytogenetic location: Xp22.2.
Variant type: single nucleotide variant.
Coding change: c.2604+30A>G on transcript NM_001410764.1; 30 bases into the intron after coding-DNA position 2604, A replaced by G.
Molecular consequence: intron variant.
Genome position (GRCh38, 1-based): chrX:14,797,152, T>C on the plus strand (A>G on the coding strand, the complement: FANCB is on the minus strand). VCF-style: chrX-14797152-T-C. GRCh37 (hg19) VCF-style: chrX-14815274-T-C.
Identifiers: ClinVar variation 3905517 (VCV003905517.10).